The following is an entry in ClinVar:

ClinVar aggregate classification (germline): Uncertain significance (1 of 4 stars; one submission).

Conditions:
Nephronophthisis 4 (NPHP4). Also called: NEPHRONOPHTHISIS 4, JUVENILE. Identifiers: Orphanet 655, MedGen C1847013, MONDO:0011752, OMIM 606966.

Submission:

MVZ Medizinische Genetik Mainz
Classification: Uncertain significance for Nephronophthisis 4. Last evaluated: 2022-04-12. Review status: criteria provided, single submitter. Criteria: UK Practice Guidelines For Variant Classification V4 01 2020. Collection method: clinical testing. Allele origin: germline. Inheritance: Autosomal recessive inheritance. Affected: yes. Observed: 1 variant allele.
Comment: ACMG Criteria: PM2_SUP, PP3; PM3_SUP (ACMG Version 3)

NM_015102.5(NPHP4):c.3959T>C (p.Leu1320Pro)

Gene: NPHP4 (nephrocystin 4; minus strand). Cytogenetic location: 1p36.31.
Variant type: single nucleotide variant.
Coding change: c.3959T>C on transcript NM_015102.5 (MANE Select); coding-DNA position 3959, T replaced by C.
Protein change: p.Leu1320Pro; replaces leucine 1320 with proline.
Molecular consequence: missense variant. On other transcripts: non-coding transcript variant (1).
Genome position (GRCh38, 1-based): chr1:5,864,375, A>G on the plus strand (T>C on the coding strand, the complement: NPHP4 is on the minus strand). VCF-style: chr1-5864375-A-G. GRCh37 (hg19) VCF-style: chr1-5924435-A-G.
Other names: c.2420T>C, p.Leu807Pro (NM_001291593.2); c.2423T>C, p.Leu808Pro (NM_001291594.2); short protein forms L1320P, L807P, L808P.
Identifiers: ClinVar variation 3236030 (VCV003236030.1), dbSNP rs2522649754, ClinGen allele CA338049629.